The following is an entry in ClinVar:

NM_015681.6(B9D1):c.473-52G>T

Gene: B9D1 (B9 domain containing 1; minus strand). Cytogenetic location: 17p11.2.
Variant type: single nucleotide variant.
Coding change: c.473-52G>T on transcript NM_015681.6 (MANE Select); 52 bases into the intron before coding-DNA position 473, G replaced by T.
Molecular consequence: intron variant. On other transcripts: missense variant (1), 3 prime UTR variant (1).
Genome position (GRCh38, 1-based): chr17:19,343,513, C>A on the plus strand (G>T on the coding strand, the complement: B9D1 is on the minus strand). VCF-style: chr17-19343513-C-A. GRCh37 (hg19) VCF-style: chr17-19246826-C-A.
Other names: c.510G>T, p.Trp170Cys (NM_001321214.2); c.*197G>T (NM_001321215.3); c.112+277G>T (NM_001368769.2); c.404+3756G>T (NM_001321219.2); c.472+277G>T (NM_001321218.2, NM_001321217.2); c.473-18G>T (NM_001330149.2); short protein forms W170C.
Identifiers: ClinVar variation 2577821 (VCV002577821.1), dbSNP rs377633517, ClinGen allele CA8440095.

ClinVar aggregate classification (germline): Uncertain significance (1 of 4 stars; one submission).

Allele frequency attached by ClinVar (database versions not stated): TOPMed 0.00007; ESP Exome Variant Server 0.00014; gnomAD exomes 0.00019; gnomAD 0.00038; ExAC 0.00068.
gnomAD v4.1: 350 of 1,612,330 alleles (0.022%); highest among the groups gnomAD compares: Non-Finnish European, 0.012%; 1 homozygote.

Submission:

GeneDx
Classification: Uncertain significance. Last evaluated: 2023-08-24. Review status: criteria provided, single submitter. Criteria: GeneDx Variant Classification Process June 2021. Collection method: clinical testing. Allele origin: germline. Affected: yes.
Comment: Identified in a patient with Joubert syndrome in published literature; however, the authors predicted the variant is benign (Kroes et al., 2015); In silico analysis supports that this variant does not alter splicing; Reported using an alternate transcript of the gene; This variant is associated with the following publications: (PMID: 25920555)